The following is an entry in ClinVar:

ClinVar aggregate classification (germline): Likely benign (1 of 4 stars; one submission).

Allele frequency attached by ClinVar (database versions not stated): gnomAD 0.00001.

Submission:

GeneDx
Classification: Likely benign. Last evaluated: 2016-03-11. Review status: criteria provided, single submitter. Criteria: GeneDx Variant Classification (06012015). Collection method: clinical testing. Allele origin: germline. Affected: yes.
Comment: This variant is considered likely benign or benign based on one or more of the following criteria: it is a conservative change, it occurs at a poorly conserved position in the protein, it is predicted to be benign by multiple in silico algorithms, and/or has population frequency not consistent with disease.

NM_025219.3(DNAJC5):c.-45C>G

Gene: DNAJC5 (DnaJ heat shock protein family (Hsp40) member C5; plus strand). Cytogenetic location: 20q13.33.
Variant type: single nucleotide variant.
Coding change: c.-45C>G on transcript NM_025219.3 (MANE Select); 45 bases upstream of the start codon, C replaced by G.
Molecular consequence: 5 prime UTR variant.
Genome position (GRCh38, 1-based): chr20:63,895,290, C>G. VCF-style: chr20-63895290-C-G. GRCh37 (hg19) VCF-style: chr20-62526643-C-G.
Identifiers: ClinVar variation 384761 (VCV000384761.1), dbSNP rs1057522043, ClinGen allele CA16608480.